The following is an entry in ClinVar:

NM_000217.3(KCNA1):c.1141G>A (p.Val381Met)

Gene: KCNA1 (potassium voltage-gated channel subfamily A member 1; plus strand). Cytogenetic location: 12p13.32.
Variant type: single nucleotide variant.
Coding change: c.1141G>A on transcript NM_000217.3 (MANE Select); coding-DNA position 1141, G replaced by A.
Protein change: p.Val381Met; replaces valine 381 with methionine.
Molecular consequence: missense variant.
Genome position (GRCh38, 1-based): chr12:4,912,519, G>A. VCF-style: chr12-4912519-G-A. GRCh37 (hg19) VCF-style: chr12-5021685-G-A.
Other names: short protein forms V381M.
Identifiers: ClinVar variation 2986058 (VCV002986058.3), dbSNP rs2497353866, ClinGen allele CA383456135.

ClinVar aggregate classification (germline): Uncertain significance (1 of 4 stars; one submission).

Conditions:
Episodic ataxia type 1 (EA1). Also called: Episodic ataxia/myokymia syndrome; ATAXIA, EPISODIC, WITH MYOKYMIA; PAROXYSMAL ATAXIA WITH NEUROMYOTONIA, HEREDITARY; MYOKYMIA WITH PERIODIC ATAXIA. Identifiers: Orphanet 37612, Orphanet 972, MedGen C1719788, MONDO:0008047, OMIM 160120.

Allele frequency attached by ClinVar (database versions not stated): gnomAD exomes below 0.00001.
gnomAD v4.1: 1 of 1,614,028 alleles (0.000062%); highest among the groups gnomAD compares: Non-Finnish European, 0.000085%; no homozygotes.

Submission:

Labcorp Genetics (formerly Invitae), Labcorp
Classification: Uncertain significance for Episodic ataxia type 1. Last evaluated: 2023-05-30. Review status: criteria provided, single submitter. Criteria: Invitae Variant Classification Sherloc (09022015). Collection method: clinical testing. Allele origin: germline.
Comment: This sequence change replaces valine, which is neutral and non-polar, with methionine, which is neutral and non-polar, at codon 381 of the KCNA1 protein (p.Val381Met). This variant has not been reported in the literature in individuals affected with KCNA1-related conditions. This variant is not present in population databases (gnomAD no frequency). Advanced modeling of protein sequence and biophysical properties (such as structural, functional, and spatial information, amino acid conservation, physicochemical variation, residue mobility, and thermodynamic stability) performed at Invitae indicates that this missense variant is not expected to disrupt KCNA1 protein function. In summary, the available evidence is currently insufficient to determine the role of this variant in disease. Therefore, it has been classified as a Variant of Uncertain Significance.